The following is an entry in ClinVar:

ClinVar aggregate classification (germline): Uncertain significance. Review status: criteria provided, multiple submitters, no conflicts (2 of 4 stars). 2 submissions from 2 submitters: Uncertain significance (2). Last evaluated 2025-09-22.

Conditions:
Thrombomodulin-related bleeding disorder (THPH12). Also called: Thrombophilia due to thrombomodulin defect. Identifiers: Orphanet 436169, MedGen C3280976, MONDO:0013775, OMIM 614486.

Submissions (2):

Genomenon, Inc
Classification: Uncertain significance for Thrombomodulin-related bleeding disorder. Last evaluated: 2025-09-22. Review status: criteria provided, single submitter. Criteria: Genomenon Sequence Variant Interpretation Standards - Updated. Collection method: curation. Allele origin: germline. Affected: no.
Comment: THBD p.Glu311Ter (c.931G>T) is a nonsense variant that introduces a premature stop codon at amino acid position 311, creating a truncated protein. This variant has been reported in the published literature (PMID:34970867). It is absent or not present at a significant frequency in gnomAD. In conclusion, we classify THBD p.Glu311Ter (c.931G>T) as a variant of unknown significance.

Labcorp Genetics (formerly Invitae), Labcorp
Classification: Uncertain significance. Last evaluated: 2024-03-08. Review status: criteria provided, single submitter. Criteria: Invitae Variant Classification Sherloc (09022015). Collection method: clinical testing. Allele origin: germline.
Comment: This sequence change creates a premature translational stop signal (p.Glu311*) in the THBD gene. While this is not anticipated to result in nonsense mediated decay, it is expected to disrupt the last 265 amino acid(s) of the THBD protein. This variant is not present in population databases (gnomAD no frequency). This premature translational stop signal has been observed in individual(s) with venous thromboembolism (PMID: 34970867). Experimental studies and prediction algorithms are not available or were not evaluated, and the functional significance of this variant is currently unknown. In summary, the available evidence is currently insufficient to determine the role of this variant in disease. Therefore, it has been classified as a Variant of Uncertain Significance.

Literature cited by the submitters: PubMed 34970867 (cited by Genomenon, Inc and Labcorp Genetics (formerly Invitae), Labcorp).

NM_000361.3(THBD):c.931G>T (p.Glu311Ter)

Gene: THBD (thrombomodulin; minus strand). Cytogenetic location: 20p11.21.
Variant type: single nucleotide variant.
Coding change: c.931G>T on transcript NM_000361.3 (MANE Select); coding-DNA position 931, G replaced by T.
Protein change: p.Glu311Ter; replaces glutamic acid 311 with a stop codon.
Molecular consequence: nonsense.
Genome position (GRCh38, 1-based): chr20:23,048,574, C>A on the plus strand (G>T on the coding strand, the complement: THBD is on the minus strand). VCF-style: chr20-23048574-C-A. GRCh37 (hg19) VCF-style: chr20-23029211-C-A.
Other names: short protein forms E311*.
Identifiers: ClinVar variation 3611494 (VCV003611494.3).
Genomic context (GRCh38, chr20:23,048,574, plus strand): 5'-GTATGCAGTCATCCACGTCCTCGCACCGGTGTTGGTCGGCCGCCAGCCGGTAGCCGGTCT[C>A]GCACATGCACGAGTAGGAGCCCGGCTGGTCGGGGTTGGGAACGCAGAAGTGCTCGCAGAG-3'